The following is an entry in ClinVar:

NM_000051.4(ATM):c.7222T>A (p.Ser2408Thr)

Genes: ATM (ATM serine/threonine kinase; plus strand), C11orf65 (chromosome 11 open reading frame 65; minus strand). Cytogenetic location: 11q22.3.
Variant type: single nucleotide variant.
Coding change: c.7222T>A on transcript NM_000051.4 (MANE Select); coding-DNA position 7222, T replaced by A.
Protein change: p.Ser2408Thr; replaces serine 2408 with threonine.
Molecular consequence: missense variant. On other transcripts: intron variant (2).
Genome position (GRCh38, 1-based): chr11:108,329,153, T>A. VCF-style: chr11-108329153-T-A. GRCh37 (hg19) VCF-style: chr11-108199880-T-A.
Other names: c.7222T>A, p.Ser2408Thr (NM_001351834.2); c.641-20082A>T (NM_001330368.2); c.*38+6067A>T (NM_001351110.2); short protein forms S2408T.
Identifiers: ClinVar variation 2122963 (VCV002122963.4), dbSNP rs2136418574, ClinGen allele CA382559663.

ClinVar aggregate classification (germline): Uncertain significance (1 of 4 stars; one submission).

Conditions:
Ataxia-telangiectasia syndrome (AT). Also called: ATAXIA-TELANGIECTASIA, COMPLEMENTATION GROUP A; ATAXIA-TELANGIECTASIA, FRESNO VARIANT; Ataxia-telangiectasia; Ataxia-telangiectasia, complementation group E; LOUIS-BAR SYNDROME; Cerebello-oculocutaneous telangiectasia. Identifiers: Orphanet 100, MedGen C0004135, MONDO:0008840, OMIM 208900.

Submission:

Labcorp Genetics (formerly Invitae), Labcorp
Classification: Uncertain significance for Ataxia-telangiectasia syndrome. Last evaluated: 2025-10-14. Review status: criteria provided, single submitter. Criteria: Invitae Variant Classification Sherloc (09022015). Collection method: clinical testing. Allele origin: germline.
Comment: This sequence change replaces serine, which is neutral and polar, with threonine, which is neutral and polar, at codon 2408 of the ATM protein (p.Ser2408Thr). This variant is not present in population databases (gnomAD no frequency). This variant has not been reported in the literature in individuals affected with ATM-related conditions. ClinVar contains an entry for this variant (Variation ID: 2122963). Invitae Evidence Modeling of protein sequence and biophysical properties (such as structural, functional, and spatial information, amino acid conservation, physicochemical variation, residue mobility, and thermodynamic stability) indicates that this missense variant is not expected to disrupt ATM protein function with a negative predictive value of 95%. In summary, the available evidence is currently insufficient to determine the role of this variant in disease. Therefore, it has been classified as a Variant of Uncertain Significance.